The following is an entry in ClinVar:

NM_018646.6(TRPV6):c.1465G>A (p.Gly489Arg)

Gene: TRPV6 (transient receptor potential cation channel subfamily V member 6; minus strand). Cytogenetic location: 7q34.
Variant type: single nucleotide variant.
Coding change: c.1465G>A on transcript NM_018646.6 (MANE Select); coding-DNA position 1465, G replaced by A.
Protein change: p.Gly489Arg; replaces glycine 489 with arginine.
Molecular consequence: missense variant.
Genome position (GRCh38, 1-based): chr7:142,874,598, C>T on the plus strand (G>A on the coding strand, the complement: TRPV6 is on the minus strand). VCF-style: chr7-142874598-C-T. GRCh37 (hg19) VCF-style: chr7-142572351-C-T.
Other names: short protein forms G489R.
Identifiers: ClinVar variation 4755278 (VCV004755278.1).

ClinVar aggregate classification (germline): Uncertain significance (1 of 4 stars; one submission).

gnomAD v4.1: 34 of 1,613,964 alleles (0.0021%); highest among the groups gnomAD compares: East Asian, 0.0045%; no homozygotes.

Submission:

Labcorp Genetics (formerly Invitae), Labcorp
Classification: Uncertain significance. Last evaluated: 2025-11-01. Review status: criteria provided, single submitter. Criteria: Invitae Variant Classification Sherloc (09022015). Collection method: clinical testing. Allele origin: germline.
Comment: This sequence change replaces glycine, which is neutral and non-polar, with arginine, which is basic and polar, at codon 489 of the TRPV6 protein (p.Gly489Arg). This variant is present in population databases (rs374296899, gnomAD 0.006%). This missense change has been observed in individual(s) with TRPV6-related conditions (PMID: 31930989). Algorithms developed to predict the effect of variants on gene product structure and function are not available or were not evaluated for this variant. Experimental studies have shown that this missense change affects TRPV6 function (PMID: 31930989). In summary, the available evidence is currently insufficient to determine the role of this variant in disease. Therefore, it has been classified as a Variant of Uncertain Significance.

Literature cited by the submitters: PubMed 31930989.